The following is an entry in ClinVar:

ClinVar aggregate classification (germline): Uncertain significance (1 of 4 stars; one submission).

Submission:

Labcorp Genetics (formerly Invitae), Labcorp
Classification: Uncertain significance. Last evaluated: 2025-12-09. Review status: criteria provided, single submitter. Criteria: Invitae Variant Classification Sherloc (09022015). Collection method: clinical testing. Allele origin: germline.
Comment: This sequence change replaces aspartic acid, which is acidic and polar, with glycine, which is neutral and non-polar, at codon 144 of the SON protein (p.Asp144Gly). This variant is not present in population databases (gnomAD no frequency). This variant has not been reported in the literature in individuals affected with SON-related conditions. An algorithm developed to predict the effect of missense changes on protein structure and function (PolyPhen-2) suggests that this variant is likely to be tolerated. In summary, the available evidence is currently insufficient to determine the role of this variant in disease. Therefore, it has been classified as a Variant of Uncertain Significance.

NM_138927.4(SON):c.431A>G (p.Asp144Gly)

Gene: SON (SON DNA and RNA binding protein; plus strand). Cytogenetic location: 21q22.11.
Variant type: single nucleotide variant.
Coding change: c.431A>G on transcript NM_138927.4 (MANE Select); coding-DNA position 431, A replaced by G.
Protein change: p.Asp144Gly; replaces aspartic acid 144 with glycine.
Molecular consequence: missense variant. On other transcripts: non-coding transcript variant (1), intron variant (1).
Genome position (GRCh38, 1-based): chr21:33,549,662, A>G. VCF-style: chr21-33549662-A-G. GRCh37 (hg19) VCF-style: chr21-34921968-A-G.
Other names: c.431A>G, p.Asp144Gly (NM_001291411.2, NM_032195.3); c.244+3283A>G (NM_001291412.3); short protein forms D144G.
Identifiers: ClinVar variation 4777526 (VCV004777526.1).